The following is an entry in ClinVar:

NM_001278669.2(NFATC1):c.1568C>T (p.Pro523Leu)

Gene: NFATC1 (nuclear factor of activated T cells 1; plus strand). Cytogenetic location: 18q23.
Variant type: single nucleotide variant.
Coding change: c.1568C>T on transcript NM_001278669.2 (MANE Select); coding-DNA position 1568, C replaced by T.
Protein change: p.Pro523Leu; replaces proline 523 with leucine.
Molecular consequence: missense variant.
Genome position (GRCh38, 1-based): chr18:79,448,963, C>T. VCF-style: chr18-79448963-C-T. GRCh37 (hg19) VCF-style: chr18-77208963-C-T.
Other names: c.1568C>T, p.Pro523Leu (NM_001278670.2, NM_006162.5, NM_172390.3); c.1529C>T, p.Pro510Leu (NM_001278672.2, NM_001278675.2, NM_172387.3 and 1 more transcripts); c.152C>T, p.Pro51Leu (NM_001278673.2, NM_172388.3); short protein forms P510L, P51L, P523L.
Identifiers: ClinVar variation 1958398 (VCV001958398.5), dbSNP rs1200856303, ClinGen allele CA402821388.

ClinVar aggregate classification (germline): Uncertain significance (1 of 4 stars; one submission).

Allele frequency attached by ClinVar (database versions not stated): gnomAD exomes below 0.00001; TOPMed below 0.00001.
gnomAD v4.1: 3 of 1,613,230 alleles (0.00019%); highest among the groups gnomAD compares: African/African-American, 0.0027%; no homozygotes.

Submission:

Labcorp Genetics (formerly Invitae), Labcorp
Classification: Uncertain significance. Last evaluated: 2022-01-26. Review status: criteria provided, single submitter. Criteria: Invitae Variant Classification Sherloc (09022015). Collection method: clinical testing. Allele origin: germline.
Comment: Algorithms developed to predict the effect of missense changes on protein structure and function are either unavailable or do not agree on the potential impact of this missense change (SIFT: "Deleterious"; PolyPhen-2: "Probably Damaging"; Align-GVGD: "Class C0"). In summary, the available evidence is currently insufficient to determine the role of this variant in disease. Therefore, it has been classified as a Variant of Uncertain Significance. This variant has not been reported in the literature in individuals affected with NFATC1-related conditions. This variant is present in population databases (no rsID available, gnomAD 0.0009%). This sequence change replaces proline, which is neutral and non-polar, with leucine, which is neutral and non-polar, at codon 523 of the NFATC1 protein (p.Pro523Leu).